The following is an entry in ClinVar:

ClinVar aggregate classification (germline): Uncertain significance (1 of 4 stars; one submission).

Conditions:
Brachyolmia-amelogenesis imperfecta syndrome. Also called: Tooth agenesis, selective, 6; Dental anomalies and short stature; PLATYSPONDYLY WITH AMELOGENESIS IMPERFECTA. Identifiers: Orphanet 2899, MedGen C1832594, MONDO:0011018, OMIM 601216. Disease mechanism: loss of function.

gnomAD v4.1: 1 of 1,605,804 alleles (0.000062%); highest among the groups gnomAD compares: South Asian, 0.0011%; no homozygotes.

Submission:

Labcorp Genetics (formerly Invitae), Labcorp
Classification: Uncertain significance for Brachyolmia-amelogenesis imperfecta syndrome. Last evaluated: 2024-10-21. Review status: criteria provided, single submitter. Criteria: Invitae Variant Classification Sherloc (09022015). Collection method: clinical testing. Allele origin: germline.
Comment: This sequence change replaces glycine, which is neutral and non-polar, with aspartic acid, which is acidic and polar, at codon 213 of the LTBP3 protein (p.Gly213Asp). This variant is not present in population databases (gnomAD no frequency). This variant has not been reported in the literature in individuals affected with LTBP3-related conditions. An algorithm developed to predict the effect of missense changes on protein structure and function (PolyPhen-2) suggests that this variant is likely to be disruptive. In summary, the available evidence is currently insufficient to determine the role of this variant in disease. Therefore, it has been classified as a Variant of Uncertain Significance.

NM_001130144.3(LTBP3):c.638G>A (p.Gly213Asp)

Gene: LTBP3 (latent transforming growth factor beta binding protein 3; minus strand). Cytogenetic location: 11q13.1.
Variant type: single nucleotide variant.
Coding change: c.638G>A on transcript NM_001130144.3 (MANE Select); coding-DNA position 638, G replaced by A.
Protein change: p.Gly213Asp; replaces glycine 213 with aspartic acid.
Molecular consequence: missense variant.
Genome position (GRCh38, 1-based): chr11:65,554,074, C>T on the plus strand (G>A on the coding strand, the complement: LTBP3 is on the minus strand). VCF-style: chr11-65554074-C-T. GRCh37 (hg19) VCF-style: chr11-65321545-C-T.
Other names: c.287G>A, p.Gly96Asp (NM_001164266.1); c.638G>A, p.Gly213Asp (NM_021070.4); short protein forms G213D, G96D.
Identifiers: ClinVar variation 3609271 (VCV003609271.2).